The following is an entry in ClinVar:

NM_002972.4(SBF1):c.3251C>T (p.Pro1084Leu)

Gene: SBF1 (SET binding factor 1; minus strand). Cytogenetic location: 22q13.33.
Variant type: single nucleotide variant.
Coding change: c.3251C>T on transcript NM_002972.4 (MANE Select); coding-DNA position 3251, C replaced by T.
Protein change: p.Pro1084Leu; replaces proline 1084 with leucine.
Molecular consequence: missense variant.
Genome position (GRCh38, 1-based): chr22:50,460,304, G>A on the plus strand (C>T on the coding strand, the complement: SBF1 is on the minus strand). VCF-style: chr22-50460304-G-A. GRCh37 (hg19) VCF-style: chr22-50898733-G-A.
Other names: p.Pro1084Leu; c.3254C>T, p.Pro1085Leu (NM_001365819.1); c.3251C>T (NM_002972.3); short protein forms P1084L, P1085L.
Identifiers: ClinVar variation 995708 (VCV000995708.14), dbSNP rs749516637, ClinGen allele CA10316805.

ClinVar aggregate classification (germline): Uncertain significance. Review status: criteria provided, multiple submitters, no conflicts (2 of 4 stars). 5 submissions from 5 submitters: Uncertain significance (4). 1 of the submissions does not count toward it. Last evaluated 2025-09-30.

Conditions:
Charcot-Marie-Tooth disease type 4B3. Also called: CHARCOT-MARIE-TOOTH DISEASE, DEMYELINATING, TYPE 4B3; Charcot-Marie-Tooth Neuropathy Type 4B3. Identifiers: Orphanet 363981, MedGen C3695063, MONDO:0014117, OMIM 615284.
Tip-toe gait. Also called: Toe walking. Identifiers: MedGen C0427144, HP:0030051.

Allele frequency attached by ClinVar (database versions not stated): ExAC 0.00008; TOPMed 0.00008; gnomAD exomes 0.00009 and 0.00016; gnomAD 0.00010 and 0.00011.
gnomAD v4.1: 248 of 1,610,768 alleles (0.015%); highest among the groups gnomAD compares: Middle Eastern, 0.066%; no homozygotes.

Submissions (5):

Women's Health and Genetics/Laboratory Corporation of America, LabCorp
Classification: Uncertain significance. Last evaluated: 2025-09-30. Review status: criteria provided, single submitter. Criteria: LabCorp Variant Classification Summary - May 2015. Collection method: clinical testing. Allele origin: germline.
Comment: Variant summary: SBF1 c.3251C>T (p.Pro1084Leu) results in a non-conservative amino acid change in the encoded protein sequence. Algorithms developed to predict the effect of missense changes on protein structure and function are either unavailable or do not agree on the potential impact of this missense change. The variant allele was found at a frequency of 9.3e-05 in 247474 control chromosomes. This frequency is not significantly higher than estimated for disease-causing variants in SBF1, allowing no conclusion about variant significance. To our knowledge, no occurrence of c.3251C>T in individuals affected with SBF1-related conditions and no experimental evidence demonstrating its impact on protein function have been reported. ClinVar contains an entry for this variant (Variation ID: 995708). Based on the evidence outlined above, the variant was classified as uncertain significance.

Mayo Clinic Laboratories, Mayo Clinic
Classification: Uncertain significance. Last evaluated: 2024-10-14. Review status: criteria provided, single submitter. Criteria: ACMG Guidelines, 2015. Collection method: clinical testing. Allele origin: germline. Observed: 2 variant alleles.
Comment: BP4

Labcorp Genetics (formerly Invitae), Labcorp
Classification: Uncertain significance. Last evaluated: 2023-10-29. Review status: criteria provided, single submitter. Criteria: Invitae Variant Classification Sherloc (09022015). Collection method: clinical testing. Allele origin: germline.
Comment: This sequence change replaces proline, which is neutral and non-polar, with leucine, which is neutral and non-polar, at codon 1084 of the SBF1 protein (p.Pro1084Leu). This variant is present in population databases (rs749516637, gnomAD 0.01%). This variant has not been reported in the literature in individuals affected with SBF1-related conditions. ClinVar contains an entry for this variant (Variation ID: 995708). An algorithm developed to predict the effect of missense changes on protein structure and function (PolyPhen-2) suggests that this variant¬†is likely to be tolerated. In summary, the available evidence is currently insufficient to determine the role of this variant in disease. Therefore, it has been classified as a Variant of Uncertain Significance.

ARUP Laboratories, Molecular Genetics and Genomics, ARUP Laboratories
Classification: Uncertain significance for Charcot-Marie-Tooth disease type 4B3. Last evaluated: 2020-04-21. Review status: criteria provided, single submitter. Criteria: ARUP Molecular Germline Variant Investigation Process. Collection method: clinical testing. Allele origin: germline.
Comment: The SBF1 c.3251C>T; p.Pro1084Leu variant (rs749516637), to our knowledge, is not reported in the medical literature or gene-specific databases. This variant is found in the general population with an overall allele frequency of 0.01% (28/278862 alleles) in the Genome Aggregation Database. The proline at codon 1084 is weakly conserved and computational analyses (SIFT, PolyPhen-2) predict that this variant is tolerated. However, due to limited information, the clinical significance of the p.Pro1084Leu variant is uncertain at this time.

Practice for Gait Abnormalities, David Pomarino, Competency Network Toe Walking C/o Practice Pomarino
Classification: Likely pathogenic for Tip-toe gait. Last evaluated: 2022-07-06. Review status: flagged submission. Criteria: Pomarino et al. (Glob Med Genet. 2023). Collection method: clinical testing. Allele origin: germline. Affected: yes. Not counted in ClinVar's aggregate classification.
ClinVar note: Notes: This gene has insufficient evidence for isolated tip-toe gait.
ClinVar note: Reason: P/LP classification for a variant in a gene with insufficient evidence for a gene-disease relationship